The following is an entry in ClinVar:

NM_152383.5(DIS3L2):c.2070G>A (p.Ala690=)

Gene: DIS3L2 (DIS3 like 3'-5' exoribonuclease 2; plus strand). Cytogenetic location: 2q37.1.
Variant type: single nucleotide variant.
Coding change: c.2070G>A on transcript NM_152383.5 (MANE Select); coding-DNA position 2070, G replaced by A.
Protein change: p.Ala690=; no amino-acid change (alanine 690 retained).
Molecular consequence: synonymous variant. On other transcripts: non-coding transcript variant (2), intron variant (1).
Genome position (GRCh38, 1-based): chr2:232,333,899, G>A. VCF-style: chr2-232333899-G-A. GRCh37 (hg19) VCF-style: chr2-233198609-G-A.
Other names: c.1582-9446G>A (NM_001257281.2).
Identifiers: ClinVar variation 463090 (VCV000463090.12), dbSNP rs761434540, ClinGen allele CA2164389.

ClinVar aggregate classification (germline): Likely benign. Review status: criteria provided, single submitter (1 of 4 stars). 2 submissions from 2 submitters: Likely benign (1). 1 of the submissions does not count toward it. Last evaluated 2024-10-29.

Conditions:
DIS3L2-related disorder. Also called: DIS3L2-related condition.
Perlman syndrome (PRLMNS). Identifiers: Orphanet 2849, MedGen C0796113, MONDO:0009965, OMIM 267000.

Allele frequency attached by ClinVar (database versions not stated): gnomAD 0.00001; gnomAD exomes 0.00001; TOPMed 0.00001; ExAC 0.00002.
gnomAD v4.1: 7 of 1,612,730 alleles (0.00043%); highest among the groups gnomAD compares: African/African-American, 0.004%; no homozygotes.

Submissions (2):

Labcorp Genetics (formerly Invitae), Labcorp
Classification: Likely benign for Perlman syndrome. Last evaluated: 2024-10-29. Review status: criteria provided, single submitter. Criteria: Invitae Variant Classification Sherloc (09022015). Collection method: clinical testing. Allele origin: germline.

PreventionGenetics, part of Exact Sciences
Classification: Likely benign for DIS3L2-related condition. Last evaluated: 2022-10-07. Review status: no assertion criteria provided. Collection method: clinical testing. Allele origin: germline. Not counted in ClinVar's aggregate classification.
Comment: This variant is classified as likely benign based on ACMG/AMP sequence variant interpretation guidelines (Richards et al. 2015 PMID: 25741868, with internal and published modifications).